The following is an entry in ClinVar:

NM_000455.5(STK11):c.1257C>G (p.Ser419=)

Gene: STK11 (serine/threonine kinase 11; plus strand). Cytogenetic location: 19p13.3.
Variant type: single nucleotide variant.
Coding change: c.1257C>G on transcript NM_000455.5 (MANE Select); coding-DNA position 1257, C replaced by G.
Protein change: p.Ser419=; no amino-acid change (serine 419 retained).
Molecular consequence: synonymous variant.
Genome position (GRCh38, 1-based): chr19:1,226,602, C>G. VCF-style: chr19-1226602-C-G. GRCh37 (hg19) VCF-style: chr19-1226601-C-G.
Identifiers: ClinVar variation 458029 (VCV000458029.13), dbSNP rs375328708, ClinGen allele CA402954056.

ClinVar aggregate classification (germline): Likely benign. Review status: criteria provided, multiple submitters, no conflicts (2 of 4 stars). 4 submissions from 4 submitters: Likely benign (4). Last evaluated 2022-12-07.

Conditions:
Peutz-Jeghers syndrome (PJS). Also called: POLYPOSIS, HAMARTOMATOUS INTESTINAL; POLYPS-AND-SPOTS SYNDROME; Peutz-Jeghers polyposis; Periorificial lentiginosis syndrome. Identifiers: Orphanet 2869, MedGen C0031269, MeSH D010580, MONDO:0008280, OMIM 175200.
Hereditary cancer-predisposing syndrome. Also called: Hereditary Cancer Syndrome; Hereditary neoplastic syndrome; Tumor predisposition; Neoplastic Syndromes, Hereditary. Identifiers: Orphanet 140162, MedGen C0027672, MeSH D009386, MONDO:0015356.

gnomAD v4.1: 1 of 1,563,582 alleles (0.000064%); highest among the groups gnomAD compares: Non-Finnish European, 0.000086%; no homozygotes.

Submissions (4):

All of Us Research Program, National Institutes of Health
Classification: Likely benign for Peutz-Jeghers syndrome. Last evaluated: 2022-12-07. Review status: criteria provided, single submitter. Criteria: ACMG Guidelines, 2015. Collection method: clinical testing. Allele origin: germline. Inheritance: Autosomal dominant inheritance. Observed: 1 variant allele, 1 heterozygote.
Comment: This study involves interpretation of variants in research participants for the purpose of population health screening. Participant phenotype was not available at the time of variant classification. Additional details can be found in publication PMID: 35346344, PMCID: PMC8962531

Color Diagnostics, LLC DBA Color Health
Classification: Likely benign for Hereditary cancer-predisposing syndrome. Last evaluated: 2022-09-20. Review status: criteria provided, single submitter. Criteria: ACMG Guidelines, 2015. Collection method: clinical testing. Allele origin: germline.

Ambry Genetics
Classification: Likely benign for Hereditary cancer-predisposing syndrome. Last evaluated: 2021-10-12. Review status: criteria provided, single submitter. Criteria: Ambry Variant Classification Scheme 2023. Collection method: clinical testing. Allele origin: germline.

Labcorp Genetics (formerly Invitae), Labcorp
Classification: Likely benign for Peutz-Jeghers syndrome. Last evaluated: 2021-09-29. Review status: criteria provided, single submitter. Criteria: Invitae Variant Classification Sherloc (09022015). Collection method: clinical testing. Allele origin: germline.